The following is an entry in ClinVar:

NM_001458.5(FLNC):c.1465G>A (p.Val489Ile)

Gene: FLNC (filamin C; plus strand). Cytogenetic location: 7q32.1.
Variant type: single nucleotide variant.
Coding change: c.1465G>A on transcript NM_001458.5 (MANE Select); coding-DNA position 1465, G replaced by A.
Protein change: p.Val489Ile; replaces valine 489 with isoleucine.
Molecular consequence: missense variant.
Genome position (GRCh38, 1-based): chr7:128,840,076, G>A. VCF-style: chr7-128840076-G-A. GRCh37 (hg19) VCF-style: chr7-128480130-G-A.
Other names: c.1465G>A, p.Val489Ile (NM_001127487.2); short protein forms V489I.
Identifiers: ClinVar variation 3752970 (VCV003752970.2).

ClinVar aggregate classification (germline): Uncertain significance (1 of 4 stars; one submission).

Conditions:
Myofibrillar myopathy 5. Also called: Filaminopathy (type); FILAMINOPATHY, AUTOSOMAL DOMINANT. Identifiers: Orphanet 171445, MedGen C1836050, MONDO:0012289, OMIM 609524.
Distal myopathy with posterior leg and anterior hand involvement. Also called: WILLIAMS DISTAL MYOPATHY. Identifiers: Orphanet 63273, MedGen C3279722, MONDO:0013550, OMIM 614065.
Hypertrophic cardiomyopathy 26. Also called: Cardiomyopathy, familial hypertrophic, 26. Identifiers: Orphanet 75249, MedGen C4310749, MONDO:0014883, OMIM 617047.

gnomAD v4.1: 1 of 1,614,140 alleles (0.000062%); highest among the groups gnomAD compares: East Asian, 0.0022%; no homozygotes.

Submission:

Labcorp Genetics (formerly Invitae), Labcorp
Classification: Uncertain significance for Distal myopathy with posterior leg and anterior hand involvement; Myofibrillar myopathy 5; Hypertrophic cardiomyopathy 26. Last evaluated: 2024-08-30. Review status: criteria provided, single submitter. Criteria: Invitae Variant Classification Sherloc (09022015). Collection method: clinical testing. Allele origin: germline.
Comment: This sequence change replaces valine, which is neutral and non-polar, with isoleucine, which is neutral and non-polar, at codon 489 of the FLNC protein (p.Val489Ile). This variant is not present in population databases (gnomAD no frequency). This variant has not been reported in the literature in individuals affected with FLNC-related conditions. Invitae Evidence Modeling of protein sequence and biophysical properties (such as structural, functional, and spatial information, amino acid conservation, physicochemical variation, residue mobility, and thermodynamic stability) has been performed for this missense variant. However, the output from this modeling did not meet the statistical confidence thresholds required to predict the impact of this variant on FLNC protein function. In summary, the available evidence is currently insufficient to determine the role of this variant in disease. Therefore, it has been classified as a Variant of Uncertain Significance.